The following is an entry in ClinVar:

ClinVar aggregate classification (germline): Uncertain significance. Review status: criteria provided, multiple submitters, no conflicts (2 of 4 stars). 2 submissions from 2 submitters: Uncertain significance (2). Last evaluated 2026-01-26.

Conditions:
Autosomal dominant hypocalcemia 1 (HYPOC1). Also called: HYPOCALCEMIA, FAMILIAL. Identifiers: MedGen C3715128, MONDO:0011013, OMIM 601198.
Familial hypocalciuric hypercalcemia (FHH). Also called: Familial benign hypercalcemia. Identifiers: Orphanet 405, MedGen C1809471, MONDO:0018458.

Submissions (2):

Labcorp Genetics (formerly Invitae), Labcorp
Classification: Uncertain significance for Familial hypocalciuric hypercalcemia; Autosomal dominant hypocalcemia 1. Last evaluated: 2026-01-26. Review status: criteria provided, single submitter. Criteria: Invitae Variant Classification Sherloc (09022015). Collection method: clinical testing. Allele origin: germline.
Comment: This sequence change falls in intron 5 of the CASR gene. It does not directly change the encoded amino acid sequence of the CASR protein. It affects a nucleotide within the consensus splice site. This variant is not present in population databases (gnomAD no frequency). This variant has not been reported in the literature in individuals affected with CASR-related conditions. ClinVar contains an entry for this variant (Variation ID: 995329). Variants that disrupt the consensus splice site are a relatively common cause of aberrant splicing (PMID: 17576681, 9536098). Algorithms developed to predict the effect of sequence changes on RNA splicing suggest that this variant may disrupt the consensus splice site. In summary, the available evidence is currently insufficient to determine the role of this variant in disease. Therefore, it has been classified as a Variant of Uncertain Significance.

Athena Diagnostics
Classification: Uncertain significance. Last evaluated: 2020-03-11. Review status: criteria provided, single submitter. Criteria: Athena Diagnostics Criteria. Collection method: clinical testing. Allele origin: unknown.

Literature cited by the submitters: PubMed 17576681 (cited by Labcorp Genetics (formerly Invitae), Labcorp); PubMed 9536098 (cited by Labcorp Genetics (formerly Invitae), Labcorp).

NM_000388.4(CASR):c.1608+5del

Gene: CASR (calcium sensing receptor; plus strand). Cytogenetic location: 3q21.1.
Variant type: Deletion.
Coding change: c.1608+5del on transcript NM_000388.4 (MANE Select); 5 bases into the intron after coding-DNA position 1608, one base deleted (G; older notation c.1608+5delG).
Molecular consequence: intron variant.
Genome position (GRCh38, 1-based): chr3:122,276,047, G deleted; the last of 2 consecutive G bases (chr3:122,276,046-122,276,047); deleting either gives the same sequence. VCF-style (leftmost placement, unchanged base first): chr3-122276045-AG-A. GRCh37 (hg19) VCF-style: chr3-121994892-AG-A.
Other names: c.1608+5del (NM_001178065.2).
Identifiers: ClinVar variation 995329 (VCV000995329.6), dbSNP rs2074816023, ClinGen allele CA1139657192.